The following is an entry in ClinVar:

ClinVar aggregate classification (germline): Uncertain significance (1 of 4 stars; one submission).

Conditions:
Congenital disorder of glycosylation, type Ii. Also called: ALG2-congenital disorder of glycosylation; ALG2-CDG; CDG Ii. Identifiers: Orphanet 79326, MedGen C1842836, MONDO:0011933, OMIM 607906.
Congenital myasthenic syndrome 14. Also called: Myasthenic syndrome, congenital, 14, with tubular aggregates. Identifiers: Orphanet 353327, Orphanet 590, MedGen C4015597, MONDO:0014543, OMIM 616228.

Allele frequency attached by ClinVar (database versions not stated): gnomAD exomes below 0.00001.

Submission:

Labcorp Genetics (formerly Invitae), Labcorp
Classification: Uncertain significance for Congenital disorder of glycosylation, type Ii; Congenital myasthenic syndrome 14. Last evaluated: 2023-06-15. Review status: criteria provided, single submitter. Criteria: Invitae Variant Classification Sherloc (09022015). Collection method: clinical testing. Allele origin: germline.
Comment: This variant is not present in population databases (gnomAD no frequency). In summary, the available evidence is currently insufficient to determine the role of this variant in disease. Therefore, it has been classified as a Variant of Uncertain Significance. An algorithm developed to predict the effect of missense changes on protein structure and function (PolyPhen-2) suggests that this variant is likely to be disruptive. ClinVar contains an entry for this variant (Variation ID: 1379819). This variant has not been reported in the literature in individuals affected with ALG2-related conditions. This sequence change replaces threonine, which is neutral and polar, with alanine, which is neutral and non-polar, at codon 166 of the ALG2 protein (p.Thr166Ala).

NM_033087.4(ALG2):c.496A>G (p.Thr166Ala)

Gene: ALG2 (ALG2 alpha-1,3/1,6-mannosyltransferase; minus strand). Cytogenetic location: 9q22.33.
Variant type: single nucleotide variant.
Coding change: c.496A>G on transcript NM_033087.4 (MANE Select); coding-DNA position 496, A replaced by G.
Protein change: p.Thr166Ala; replaces threonine 166 with alanine.
Molecular consequence: missense variant. On other transcripts: non-coding transcript variant (1).
Genome position (GRCh38, 1-based): chr9:99,218,689, T>C on the plus strand (A>G on the coding strand, the complement: ALG2 is on the minus strand). VCF-style: chr9-99218689-T-C. GRCh37 (hg19) VCF-style: chr9-101980971-T-C.
Other names: short protein forms T166A.
Identifiers: ClinVar variation 1379819 (VCV001379819.8), dbSNP rs1588619067, ClinGen allele CA374229081.
Genomic context (GRCh38, chr9:99,218,689, plus strand): 5'-CCTTAAAAACAGCAGCTGTGAACTGGCTGTTGACTAAGATGCAGTCTGCCATGCCTGTGG[T>C]GTATTCCTCTATCCAGTCAATTGGGGCCCTGTATAGTCGTTTAAGAAAAGAATCTCTCTT-3'
Protein context (NP_149078.1, residues 156-176): RAPIDWIEEY[Thr166Ala]TGMADCILVN